The following is an entry in ClinVar:

NM_000264.5(PTCH1):c.1603-3C>A

Gene: PTCH1 (patched 1; minus strand). Cytogenetic location: 9q22.32.
Variant type: single nucleotide variant.
Coding change: c.1603-3C>A on transcript NM_000264.5 (MANE Select); 3 bases into the intron before coding-DNA position 1603, C replaced by A.
Molecular consequence: intron variant.
Genome position (GRCh38, 1-based): chr9:95,476,162, G>T on the plus strand (C>A on the coding strand, the complement: PTCH1 is on the minus strand). VCF-style: chr9-95476162-G-T. GRCh37 (hg19) VCF-style: chr9-98238444-G-T.
Other names: c.1600-3C>A (NM_001083603.3); c.1405-3C>A (NM_001083602.3); c.1447-3C>A (NM_001354918.2); c.1150-3C>A (NM_001083605.3, NM_001083604.3, NM_001083606.3 and 1 more transcripts).
Identifiers: ClinVar variation 1776214 (VCV001776214.2), dbSNP rs2538194494, ClinGen allele CA2580080896.

ClinVar aggregate classification (germline): Uncertain significance (1 of 4 stars; one submission).

Conditions:
Hereditary cancer-predisposing syndrome. Also called: Neoplastic Syndromes, Hereditary; Tumor predisposition; Hereditary Cancer Syndrome; Hereditary neoplastic syndrome. Identifiers: Orphanet 140162, MedGen C0027672, MeSH D009386, MONDO:0015356.

Allele frequency attached by ClinVar (database versions not stated): gnomAD exomes below 0.00001.
gnomAD v4.1: 1 of 1,610,842 alleles (0.000062%); highest among the groups gnomAD compares: East Asian, 0.0022%; no homozygotes.

Submission:

Ambry Genetics
Classification: Uncertain significance for Hereditary cancer-predisposing syndrome. Last evaluated: 2022-03-30. Review status: criteria provided, single submitter. Criteria: Ambry Variant Classification Scheme 2023. Collection method: clinical testing. Allele origin: germline.
Comment: The c.1603-3C>A intronic variant results from a C to A substitution 3 nucleotides upstream from coding exon 12 in the PTCH1 gene. This nucleotide position is highly conserved in available vertebrate species. In silico splice site analysis for this alteration is inconclusive and direct evidence is insufficient at this time (Ambry internal data). Since supporting evidence is limited at this time, the clinical significance of this alteration remains unclear.